The following is an entry in ClinVar:

NM_000179.3(MSH6):c.1079G>A (p.Ser360Asn)

Gene: MSH6 (mutS homolog 6; plus strand). Cytogenetic location: 2p16.3.
Variant type: single nucleotide variant.
Coding change: c.1079G>A on transcript NM_000179.3 (MANE Select); coding-DNA position 1079, G replaced by A.
Protein change: p.Ser360Asn; replaces serine 360 with asparagine.
Molecular consequence: missense variant.
Genome position (GRCh38, 1-based): chr2:47,799,062, G>A. VCF-style: chr2-47799062-G-A. GRCh37 (hg19) VCF-style: chr2-48026201-G-A.
Other names: c.689G>A, p.Ser230Asn (NM_001281492.2); c.173G>A, p.Ser58Asn (NM_001281493.2, NM_001281494.2); short protein forms S230N, S360N, S58N.
Identifiers: ClinVar variation 1039791 (VCV001039791.11), dbSNP rs267608060, ClinGen allele CA346741768.

ClinVar aggregate classification (germline): Uncertain significance. Review status: criteria provided, multiple submitters, no conflicts (2 of 4 stars). 2 submissions from 2 submitters: Uncertain significance (2). Last evaluated 2022-07-07.

Conditions:
Hereditary cancer-predisposing syndrome. Also called: Neoplastic Syndromes, Hereditary; Hereditary Cancer Syndrome; Tumor predisposition; Hereditary neoplastic syndrome. Identifiers: Orphanet 140162, MedGen C0027672, MeSH D009386, MONDO:0015356.
Hereditary nonpolyposis colorectal neoplasms. Identifiers: MedGen C0009405, MeSH D003123.

Submissions (2):

Ambry Genetics
Classification: Uncertain significance for Hereditary cancer-predisposing syndrome. Last evaluated: 2022-07-07. Review status: criteria provided, single submitter. Criteria: Ambry Variant Classification Scheme 2023. Collection method: clinical testing. Allele origin: germline.
Comment: The p.S360N variant (also known as c.1079G>A), located in coding exon 4 of the MSH6 gene, results from a G to A substitution at nucleotide position 1079. The serine at codon 360 is replaced by asparagine, an amino acid with highly similar properties. This amino acid position is poorly conserved in available vertebrate species. In addition, this alteration is predicted to be tolerated by in silico analysis. Since supporting evidence is limited at this time, the clinical significance of this alteration remains unclear.

Labcorp Genetics (formerly Invitae), Labcorp
Classification: Uncertain significance for Hereditary nonpolyposis colorectal neoplasms. Last evaluated: 2020-08-18. Review status: criteria provided, single submitter. Criteria: Invitae Variant Classification Sherloc (09022015). Collection method: clinical testing. Allele origin: germline.
Comment: This variant has not been reported in the literature in individuals with MSH6-related conditions. Advanced modeling of protein sequence and biophysical properties (such as structural, functional, and spatial information, amino acid conservation, physicochemical variation, residue mobility, and thermodynamic stability) performed at Invitae indicates that this missense variant is not expected to disrupt MSH6 protein function. In summary, the available evidence is currently insufficient to determine the role of this variant in disease. Therefore, it has been classified as a Variant of Uncertain Significance. This variant is not present in population databases (ExAC no frequency). This sequence change replaces serine with asparagine at codon 360 of the MSH6 protein (p.Ser360Asn). The serine residue is weakly conserved and there is a small physicochemical difference between serine and asparagine.